The following is an entry in ClinVar:

NM_001379200.1(TBX1):c.1440_1448dup (p.Ala483_Ala485dup)

Gene: TBX1 (T-box transcription factor 1; plus strand). Cytogenetic location: 22q11.21.
Variant type: Duplication.
Coding change: c.1440_1448dup on transcript NM_001379200.1 (MANE Select); coding-DNA positions 1440 to 1448, 9 bases duplicated (AGCTGCCGC; older notation c.1440_1448dupAGCTGCCGC).
Protein change: p.Ala483_Ala485dup.
Molecular consequence: inframe insertion. On other transcripts: intron variant (2).
Genome position (GRCh38, 1-based): chr22:19,766,792-19,766,800, AGCTGCCGC duplicated; duplicating any 9 consecutive bases within chr22:19,766,784-19,766,800 gives the same sequence; the c. name uses the placement nearest the transcript's 3' end. VCF-style (leftmost placement, unchanged base first): chr22-19766783-C-CGCTGCCGCA. GRCh37 (hg19) VCF-style: chr22-19754306-C-CGCTGCCGCA.
Other names: c.1413_1421dupAGCTGCCGC (NM_080647.1); c.1413_1421dup9 (NM_080647.1); c.1413_1421dup, p.Ala474_Ala476dup (NM_080647.1); c.1009+790_1009+798dup (NM_005992.1, NM_080646.2).
Identifiers: ClinVar variation 948587 (VCV000948587.10), dbSNP rs748434309, ClinGen allele CA10102762.

ClinVar aggregate classification (germline): Uncertain significance. Review status: criteria provided, multiple submitters, no conflicts (2 of 4 stars). 4 submissions from 4 submitters: Uncertain significance (4). Last evaluated 2026-09-15.

Conditions:
TBX1-related disorder. Also called: TBX1-Related Disorders; TBX1-related condition.
DiGeorge syndrome. Also called: THIRD AND FOURTH PHARYNGEAL POUCH SYNDROME; Catch22. Identifiers: Orphanet 567, MedGen C0012236, MONDO:0008564, OMIM 188400.

Submissions (4):

PreventionGenetics, part of Exact Sciences
Classification: Uncertain significance for TBX1-related condition. Last evaluated: 2026-09-15. Review status: criteria provided, single submitter. Criteria: ACMG Guidelines, 2015. Collection method: clinical testing. Allele origin: germline.
Comment: The TBX1 c.1413_1421dup9 variant is predicted to result in an in-frame duplication (p.Ala474_Ala476dup). To our knowledge, this variant has not been reported in the literature. This variant is reported in 0.016% of alleles in individuals of African descent in gnomAD. Although we suspect that this variant may be benign, at this time, the clinical significance of this variant is uncertain due to the absence of conclusive functional and genetic evidence.

Women's Health and Genetics/Laboratory Corporation of America, LabCorp
Classification: Uncertain significance. Last evaluated: 2026-05-27. Review status: criteria provided, single submitter. Criteria: LabCorp Variant Classification Summary - May 2015. Collection method: clinical testing. Allele origin: germline.
Comment: Variant summary: TBX1 c.1413_1421dupAGCTGCCGC (p.Ala474_Ala476dup) results in an in-frame duplication that is predicted to duplicate three amino acids into the encoded protein. The variant allele was found at a frequency of 2.7e-05 in 109930 control chromosomes. The available data on variant occurrences in the general population are insufficient to allow any conclusion about variant significance. To our knowledge, no occurrence of c.1413_1421dupAGCTGCCGC in individuals affected with TBX1-related conditions and no experimental evidence demonstrating its impact on protein function have been reported. ClinVar contains an entry for this variant (Variation ID: 948587). Based on the evidence outlined above, the variant was classified as uncertain significance.

Labcorp Genetics (formerly Invitae), Labcorp
Classification: Uncertain significance for DiGeorge syndrome. Last evaluated: 2025-09-25. Review status: criteria provided, single submitter. Criteria: Invitae Variant Classification Sherloc (09022015). Collection method: clinical testing. Allele origin: germline.
Comment: This variant, c.1413_1421dup, results in the insertion of 3 amino acid(s) of the TBX1 protein (p.Ala474_Ala476dup), but otherwise preserves the integrity of the reading frame. This variant is present in population databases (rs748434309, gnomAD 0.02%). This variant has not been reported in the literature in individuals affected with TBX1-related conditions. ClinVar contains an entry for this variant (Variation ID: 948587). Experimental studies and prediction algorithms are not available or were not evaluated, and the functional significance of this variant is currently unknown. In summary, the available evidence is currently insufficient to determine the role of this variant in disease. Therefore, it has been classified as a Variant of Uncertain Significance.

Blueprint Genetics
Classification: Uncertain significance. Last evaluated: 2024-09-12. Review status: criteria provided, single submitter. Criteria: ACMG Guidelines, 2015. Collection method: clinical testing. Allele origin: germline.